The following is an entry in ClinVar:

ClinVar aggregate classification (germline): Uncertain significance. Review status: criteria provided, multiple submitters, no conflicts (2 of 4 stars). 2 submissions from 2 submitters: Uncertain significance (2). Last evaluated 2023-09-22.

Conditions:
Hereditary breast ovarian cancer syndrome. Also called: Hereditary breast and ovarian cancer syndrome; Hereditary breast and ovarian cancer; Hereditary breast and ovarian cancer syndrome (HBOC); Hereditary breast and/or ovarian cancer syndrome; Breast and ovarian cancer; BRCA1- and BRCA2-Associated Hereditary Breast and Ovarian Cancer. Identifiers: Orphanet 145, MedGen C0677776, MeSH D061325, MONDO:0003582. Disease mechanism: loss of function.
Hereditary cancer-predisposing syndrome. Also called: Neoplastic Syndromes, Hereditary; Tumor predisposition; Hereditary neoplastic syndrome; Hereditary Cancer Syndrome. Identifiers: Orphanet 140162, MedGen C0027672, MeSH D009386, MONDO:0015356.

Submissions (2):

Ambry Genetics
Classification: Uncertain significance for Hereditary cancer-predisposing syndrome. Last evaluated: 2023-09-22. Review status: criteria provided, single submitter. Criteria: Ambry Variant Classification Scheme 2023. Collection method: clinical testing. Allele origin: germline.
Comment: The p.P412H variant (also known as c.1235C>A), located in coding exon 9 of the BRCA2 gene, results from a C to A substitution at nucleotide position 1235. The proline at codon 412 is replaced by histidine, an amino acid with similar properties. This amino acid position is conserved. In addition, this alteration is predicted to be tolerated by in silico analysis. Since supporting evidence is limited at this time, the clinical significance of this alteration remains unclear.

Labcorp Genetics (formerly Invitae), Labcorp
Classification: Uncertain significance for Hereditary breast ovarian cancer syndrome. Last evaluated: 2023-06-14. Review status: criteria provided, single submitter. Criteria: Invitae Variant Classification Sherloc (09022015). Collection method: clinical testing. Allele origin: germline.
Comment: This sequence change replaces proline, which is neutral and non-polar, with histidine, which is basic and polar, at codon 412 of the BRCA2 protein (p.Pro412His). This variant is not present in population databases (gnomAD no frequency). In summary, the available evidence is currently insufficient to determine the role of this variant in disease. Therefore, it has been classified as a Variant of Uncertain Significance. Advanced modeling of protein sequence and biophysical properties (such as structural, functional, and spatial information, amino acid conservation, physicochemical variation, residue mobility, and thermodynamic stability) performed at Invitae indicates that this missense variant is not expected to disrupt BRCA2 protein function. This variant has not been reported in the literature in individuals affected with BRCA2-related conditions.

NM_000059.4(BRCA2):c.1235C>A (p.Pro412His)

Gene: BRCA2 (BRCA2 DNA repair associated; plus strand). Cytogenetic location: 13q13.1.
Variant type: single nucleotide variant.
Coding change: c.1235C>A on transcript NM_000059.4 (MANE Select); coding-DNA position 1235, C replaced by A.
Protein change: p.Pro412His; replaces proline 412 with histidine.
Molecular consequence: missense variant. On other transcripts: non-coding transcript variant (1), intron variant (1).
Genome position (GRCh38, 1-based): chr13:32,332,713, C>A. VCF-style: chr13-32332713-C-A. GRCh37 (hg19) VCF-style: chr13-32906850-C-A.
Other names: c.1235C>A, p.Pro412His (NM_001406719.1, NM_001406720.1, NM_001406721.1); c.424+1683C>A (NM_001406722.1); short protein forms P412H.
Identifiers: ClinVar variation 2715422 (VCV002715422.4), dbSNP rs876659628, ClinGen allele CA387762207.